The following is an entry in ClinVar:

NM_000245.4(MET):c.1874C>T (p.Thr625Ile)

Gene: MET (MET proto-oncogene, receptor tyrosine kinase; plus strand). Cytogenetic location: 7q31.2.
Variant type: single nucleotide variant.
Coding change: c.1874C>T on transcript NM_000245.4 (MANE Select); coding-DNA position 1874, C replaced by T.
Protein change: p.Thr625Ile; replaces threonine 625 with isoleucine.
Molecular consequence: missense variant.
Genome position (GRCh38, 1-based): chr7:116,757,448, C>T. VCF-style: chr7-116757448-C-T. GRCh37 (hg19) VCF-style: chr7-116397502-C-T.
Other names: c.1874C>T, p.Thr625Ile (NM_001127500.3, NM_001324401.3); c.584C>T, p.Thr195Ile (NM_001324402.2); c.1874C>T (NM_001127500.2); short protein forms T625I, T195I.
Identifiers: ClinVar variation 2047285 (VCV002047285.6), dbSNP rs781257931, ClinGen allele CA4448313.

ClinVar aggregate classification (germline): Conflicting classifications of pathogenicity. Review status: criteria provided, conflicting classifications (1 of 4 stars). 3 submissions from 3 submitters: Uncertain significance (2); Likely benign (1). Last evaluated 2026-07-06.

Conditions:
Renal cell carcinoma. Identifiers: Orphanet 217071, MedGen C0007134, MeSH D002292, MONDO:0005086, HP:0005584.
Hereditary cancer-predisposing syndrome. Also called: Tumor predisposition; Neoplastic Syndromes, Hereditary; Hereditary neoplastic syndrome; Hereditary Cancer Syndrome. Identifiers: Orphanet 140162, MedGen C0027672, MeSH D009386, MONDO:0015356.
MET-related disorder. Also called: MET-related condition.

Allele frequency attached by ClinVar (database versions not stated): ExAC 0.00001; gnomAD 0.00001; gnomAD exomes 0.00001; TOPMed 0.00001.
gnomAD v4.1: 4 of 1,612,946 alleles (0.00025%); highest among the groups gnomAD compares: Admixed American, 0.0067%; no homozygotes.

Submissions (3):

PreventionGenetics, part of Exact Sciences
Classification: Uncertain significance for MET-related condition. Last evaluated: 2026-07-06. Review status: criteria provided, single submitter. Criteria: ACMG Guidelines, 2015. Collection method: clinical testing. Allele origin: germline.
Comment: The MET c.1874C>T variant is predicted to result in the amino acid substitution p.Thr625Ile. To our knowledge, this variant has not been reported in the literature. This variant is reported in 0.0087% of alleles in individuals of Latino descent in gnomAD. This variant has conflicting interpretations in ClinVar ranging from uncertain to likely benign (Variation ID: 2047285). At this time, the clinical significance of this variant is uncertain due to the absence of conclusive functional and genetic evidence.

Labcorp Genetics (formerly Invitae), Labcorp
Classification: Uncertain significance for Renal cell carcinoma. Last evaluated: 2024-11-27. Review status: criteria provided, single submitter. Criteria: Invitae Variant Classification Sherloc (09022015). Collection method: clinical testing. Allele origin: germline.
Comment: This sequence change replaces threonine, which is neutral and polar, with isoleucine, which is neutral and non-polar, at codon 625 of the MET protein (p.Thr625Ile). This variant is present in population databases (rs781257931, gnomAD 0.009%). This variant has not been reported in the literature in individuals affected with MET-related conditions. ClinVar contains an entry for this variant (Variation ID: 2047285). Invitae Evidence Modeling of protein sequence and biophysical properties (such as structural, functional, and spatial information, amino acid conservation, physicochemical variation, residue mobility, and thermodynamic stability) indicates that this missense variant is not expected to disrupt MET protein function with a negative predictive value of 80%. In summary, the available evidence is currently insufficient to determine the role of this variant in disease. Therefore, it has been classified as a Variant of Uncertain Significance.

Ambry Genetics
Classification: Likely benign for Hereditary cancer-predisposing syndrome. Last evaluated: 2022-12-25. Review status: criteria provided, single submitter. Criteria: Ambry Variant Classification Scheme 2023. Collection method: clinical testing. Allele origin: germline.